The following is an entry in ClinVar:

NM_014915.3(ANKRD26):c.3423T>C (p.Ser1141=)

Gene: ANKRD26 (ankyrin repeat domain 26; minus strand). Cytogenetic location: 10p12.1.
Variant type: single nucleotide variant.
Coding change: c.3423T>C on transcript NM_014915.3 (MANE Select); coding-DNA position 3423, T replaced by C.
Protein change: p.Ser1141=; no amino-acid change (serine 1141 retained).
Molecular consequence: synonymous variant.
Genome position (GRCh38, 1-based): chr10:27,035,027, A>G on the plus strand (T>C on the coding strand, the complement: ANKRD26 is on the minus strand). VCF-style: chr10-27035027-A-G. GRCh37 (hg19) VCF-style: chr10-27323956-A-G.
Other names: p.Ser1141=; c.3420T>C, p.Ser1140= (NM_001256053.2).
Identifiers: ClinVar variation 2174827 (VCV002174827.6), dbSNP rs751182335, ClinGen allele CA5448040.
Genomic context (GRCh38, chr10:27,035,027, plus strand): 5'-CTCTTTATTGTCAGCCTTGTTGTGGGCATCATCCAGTTGTTGTCGAAGCAACATATTCTC[A>G]CTTTGTAGTTGAGACAATCTCTCCTCTACAGACTCCTGCTTTCCAATGTATTTATTCACT-3'
Protein context (NP_055730.2, residues 1131-1151): SVEERLSQLQ[Ser1141=]ENMLLRQQLD

ClinVar aggregate classification (germline): Likely benign. Review status: criteria provided, multiple submitters, no conflicts (2 of 4 stars). 3 submissions from 3 submitters: Likely benign (3). Last evaluated 2025-09-22.

Conditions:
Inborn genetic diseases. Identifiers: MedGen C0950123, MeSH D030342.

Allele frequency attached by ClinVar (database versions not stated): gnomAD 0.00001; gnomAD exomes 0.00004; TOPMed 0.00005; ExAC 0.00012.
gnomAD v4.1: 26 of 1,613,704 alleles (0.0016%); highest among the groups gnomAD compares: Admixed American, 0.038%; no homozygotes.

Submissions (3):

Mayo Clinic Laboratories, Mayo Clinic
Classification: Likely benign. Last evaluated: 2025-09-22. Review status: criteria provided, single submitter. Criteria: ACMG Guidelines, 2015. Collection method: clinical testing. Allele origin: germline. Observed: 1 variant allele.
Comment: BP4, BP7

Labcorp Genetics (formerly Invitae), Labcorp
Classification: Likely benign. Last evaluated: 2025-05-27. Review status: criteria provided, single submitter. Criteria: Invitae Variant Classification Sherloc (09022015). Collection method: clinical testing. Allele origin: germline.

Ambry Genetics
Classification: Likely benign for Inborn genetic diseases. Last evaluated: 2024-11-26. Review status: criteria provided, single submitter. Criteria: Ambry Variant Classification Scheme 2023. Collection method: clinical testing. Allele origin: germline.